The following is an entry in ClinVar:

ClinVar aggregate classification (germline): Uncertain significance (1 of 4 stars; one submission).

Submission:

GeneDx
Classification: Uncertain significance. Last evaluated: 2022-04-08. Review status: criteria provided, single submitter. Criteria: GeneDx Variant Classification Process June 2021. Collection method: clinical testing. Allele origin: germline. Affected: yes.
Comment: Not observed at significant frequency in large population cohorts (gnomAD); In silico analysis supports that this missense variant does not alter protein structure/function; Has not been previously published as pathogenic or benign to our knowledge

NM_022786.3(ARV1):c.746T>A (p.Val249Asp)

Gene: ARV1 (ARV1 homolog, fatty acid homeostasis modulator; plus strand). Cytogenetic location: 1q42.2.
Variant type: single nucleotide variant.
Coding change: c.746T>A on transcript NM_022786.3 (MANE Select); coding-DNA position 746, T replaced by A.
Protein change: p.Val249Asp; replaces valine 249 with aspartic acid.
Molecular consequence: missense variant. On other transcripts: non-coding transcript variant (1).
Genome position (GRCh38, 1-based): chr1:230,997,193, T>A. VCF-style: chr1-230997193-T-A. GRCh37 (hg19) VCF-style: chr1-231132939-T-A.
Other names: c.845T>A, p.Val282Asp (NM_001346992.2); short protein forms V249D, V282D.
Identifiers: ClinVar variation 1708831 (VCV001708831.2), dbSNP rs2527626819, ClinGen allele CA345220847.
Genomic context (GRCh38, chr1:230,997,193, plus strand): 5'-TCAACCGTAAGCTCTCCTTCTTGGCCGTGTTGAGTGGCTTACTGCTGGAAAGCATCATGG[T>A]CTACTTCTTCCAGAGTATGGAATGGGATGTTGGAAGTGATTATGCCATCTTTAAATCTCA-3'
Protein context (NP_073623.1, residues 239-259): LSGLLLESIM[Val249Asp]YFFQSMEWDV